The following is an entry in ClinVar:

NM_024496.4(IRF2BPL):c.1198G>A (p.Gly400Ser)

Gene: IRF2BPL (interferon regulatory factor 2 binding protein like; minus strand). Cytogenetic location: 14q24.3.
Variant type: single nucleotide variant.
Coding change: c.1198G>A on transcript NM_024496.4 (MANE Select); coding-DNA position 1198, G replaced by A.
Protein change: p.Gly400Ser; replaces glycine 400 with serine.
Molecular consequence: missense variant.
Genome position (GRCh38, 1-based): chr14:77,026,595, C>T on the plus strand (G>A on the coding strand, the complement: IRF2BPL is on the minus strand). VCF-style: chr14-77026595-C-T. GRCh37 (hg19) VCF-style: chr14-77492938-C-T.
Other names: short protein forms G400S.
Identifiers: ClinVar variation 1029892 (VCV001029892.1), dbSNP rs1885132124, ClinGen allele CA390495337.

ClinVar aggregate classification (germline): Likely pathogenic (1 of 4 stars; one submission).

Conditions:
Neurodevelopmental disorder with regression, abnormal movements, loss of speech, and seizures. Identifiers: Orphanet 597623, MedGen C4748127, MONDO:0060759, OMIM 618088.

Submission:

Baylor Genetics
Classification: Likely pathogenic for Neurodevelopmental disorder with regression, abnormal movements, loss of speech, and seizures. Last evaluated: 2019-03-25. Review status: criteria provided, single submitter. Criteria: ACMG Guidelines, 2015. Collection method: clinical testing. Allele origin: de novo. Affected: yes.
Comment: This variant was determined to be likely pathogenic according to ACMG Guidelines, 2015 [PMID:25741868].